The following is an entry in ClinVar:

NM_138420.4(AHNAK2):c.2064A>G (p.Ser688=)

Gene: AHNAK2 (AHNAK nucleoprotein 2; minus strand). Cytogenetic location: 14q32.33.
Variant type: single nucleotide variant.
Coding change: c.2064A>G on transcript NM_138420.4 (MANE Select); coding-DNA position 2064, A replaced by G.
Protein change: p.Ser688=; no amino-acid change (serine 688 retained).
Molecular consequence: synonymous variant.
Genome position (GRCh38, 1-based): chr14:104,953,387, T>C on the plus strand (A>G on the coding strand, the complement: AHNAK2 is on the minus strand). VCF-style: chr14-104953387-T-C. GRCh37 (hg19) VCF-style: chr14-105419724-T-C.
Other names: c.1764A>G, p.Ser588= (NM_001350929.2).
Identifiers: ClinVar variation 2644888 (VCV002644888.24), dbSNP rs79665965, ClinGen allele CA7383666.

ClinVar aggregate classification (germline): Benign (1 of 4 stars; one submission).

Allele frequency attached by ClinVar (database versions not stated): 1000 Genomes Project 30x 0.00125; 1000 Genomes Project 0.00140.

Submission:

CeGaT Center for Human Genetics Tuebingen
Classification: Benign. Last evaluated: 2022-03-01. Review status: criteria provided, single submitter. Criteria: CeGaT Center For Human Genetics Tuebingen Variant Classification Criteria Version 2. Collection method: clinical testing. Allele origin: germline. Affected: yes. Observed: 1 variant allele.
Comment: AHNAK2: BS1, BS2